The following is an entry in ClinVar:

NM_005228.5(EGFR):c.1414G>A (p.Ala472Thr)

Gene: EGFR (epidermal growth factor receptor; plus strand). Cytogenetic location: 7p11.2.
Variant type: single nucleotide variant.
Coding change: c.1414G>A on transcript NM_005228.5 (MANE Select); coding-DNA position 1414, G replaced by A.
Protein change: p.Ala472Thr; replaces alanine 472 with threonine.
Molecular consequence: missense variant.
Genome position (GRCh38, 1-based): chr7:55,160,254, G>A. VCF-style: chr7-55160254-G-A. GRCh37 (hg19) VCF-style: chr7-55227947-G-A.
Other names: c.1279G>A, p.Ala427Thr (NM_001346897.2, NM_001346899.2); c.1414G>A, p.Ala472Thr (NM_001346898.2, NM_201282.2, NM_201284.2); c.1255G>A, p.Ala419Thr (NM_001346900.2); c.613G>A, p.Ala205Thr (NM_001346941.2); short protein forms A472T, A419T, A205T, A427T.
Identifiers: ClinVar variation 1368660 (VCV001368660.6), dbSNP rs2128941571, ClinGen allele CA367579555.

ClinVar aggregate classification (germline): Uncertain significance (1 of 4 stars; one submission).

Conditions:
EGFR-related lung cancer (EGFR). Identifiers: MedGen CN130014.

Allele frequency attached by ClinVar (database versions not stated): gnomAD exomes below 0.00001.
gnomAD v4.1: 1 of 1,614,104 alleles (0.000062%); highest among the groups gnomAD compares: Non-Finnish European, 0.000085%; no homozygotes.

Submission:

Labcorp Genetics (formerly Invitae), Labcorp
Classification: Uncertain significance for EGFR-related lung cancer. Last evaluated: 2022-05-11. Review status: criteria provided, single submitter. Criteria: Invitae Variant Classification Sherloc (09022015). Collection method: clinical testing. Allele origin: germline.
Comment: In summary, the available evidence is currently insufficient to determine the role of this variant in disease. Therefore, it has been classified as a Variant of Uncertain Significance. Algorithms developed to predict the effect of missense changes on protein structure and function (SIFT, PolyPhen-2, Align-GVGD) all suggest that this variant is likely to be tolerated. This variant has not been reported in the literature in individuals affected with EGFR-related conditions. This variant is not present in population databases (gnomAD no frequency). This sequence change replaces alanine, which is neutral and non-polar, with threonine, which is neutral and polar, at codon 472 of the EGFR protein (p.Ala472Thr).